The following is an entry in ClinVar:

ClinVar aggregate classification (germline): Pathogenic (1 of 4 stars; one submission).

Conditions:
Poirier-Bienvenu neurodevelopmental syndrome (POBINDS). Identifiers: Orphanet 689397, MedGen C5231482, MONDO:0032889, OMIM 618732.

Submission:

Institute of Human Genetics, University of Leipzig Medical Center
Classification: Pathogenic for Poirier-Bienvenu neurodevelopmental syndrome. Last evaluated: 2023-03-07. Review status: criteria provided, single submitter. Criteria: ACMG Guidelines, 2015. Collection method: clinical testing. Allele origin: de novo. Affected: yes.
Comment: This variant was identified as de novo (maternity and paternity confirmed)._x000D_ Criteria applied: PVS1, PS2, PM2_SUP

NM_001320.7(CSNK2B):c.310G>T (p.Gly104Ter)

Gene: CSNK2B (casein kinase 2 beta; plus strand). Cytogenetic location: 6p21.33.
Variant type: single nucleotide variant.
Coding change: c.310G>T on transcript NM_001320.7 (MANE Select); coding-DNA position 310, G replaced by T.
Protein change: p.Gly104Ter; replaces glycine 104 with a stop codon.
Molecular consequence: nonsense.
Genome position (GRCh38, 1-based): chr6:31,669,115, G>T. VCF-style: chr6-31669115-G-T. GRCh37 (hg19) VCF-style: chr6-31636892-G-T.
Other names: c.310G>T, p.Gly104Ter (NM_001282385.2); short protein forms G104*.
Identifiers: ClinVar variation 2500355 (VCV002500355.1), dbSNP rs2536966071, ClinGen allele CA363474656.